The following is an entry in ClinVar:

ClinVar aggregate classification (germline): Pathogenic (1 of 4 stars; one submission).

Submission:

Labcorp Genetics (formerly Invitae), Labcorp
Classification: Pathogenic. Last evaluated: 2024-12-23. Review status: criteria provided, single submitter. Criteria: Invitae Variant Classification Sherloc (09022015). Collection method: clinical testing. Allele origin: germline.
Comment: This sequence change affects a donor splice site in intron 31 of the ANK1 gene. It is expected to disrupt RNA splicing. Variants that disrupt the donor or acceptor splice site typically lead to a loss of protein function (PMID: 16199547), and loss-of-function variants in ANK1 are known to be pathogenic (PMID: 8640229). This variant is not present in population databases (gnomAD no frequency). Disruption of this splice site has been observed in individuals with spherocytosis (internal data). Algorithms developed to predict the effect of sequence changes on RNA splicing suggest that this variant may disrupt the consensus splice site. For these reasons, this variant has been classified as Pathogenic.

Literature cited by the submitters: PubMed 16199547; PubMed 8640229.

NM_000037.4(ANK1):c.3858+2T>A

Gene: ANK1 (ankyrin 1; minus strand). Cytogenetic location: 8p11.21.
Variant type: single nucleotide variant.
Coding change: c.3858+2T>A on transcript NM_000037.4 (MANE Select); the canonical splice donor site of the intron after coding-DNA position 3858, T replaced by A.
Molecular consequence: splice donor variant.
Genome position (GRCh38, 1-based): chr8:41,692,646, A>T on the plus strand (T>A on the coding strand, the complement: ANK1 is on the minus strand). VCF-style: chr8-41692646-A-T. GRCh37 (hg19) VCF-style: chr8-41550164-A-T.
Other names: c.3981+2T>A (NM_001142446.2); c.3858+2T>A (NM_020477.3, NM_020475.3, NM_020476.3).
Identifiers: ClinVar variation 3727793 (VCV003727793.2).